The following is an entry in ClinVar:

NM_001273.5(CHD4):c.4321A>G (p.Thr1441Ala)

Genes: CHD4 (chromodomain helicase DNA binding protein 4; minus strand), CHD4-AS1 (CHD4 antisense RNA 1; plus strand). Cytogenetic location: 12p13.31.
Variant type: single nucleotide variant.
Coding change: c.4321A>G on transcript NM_001273.5 (MANE Select); coding-DNA position 4321, A replaced by G.
Protein change: p.Thr1441Ala; replaces threonine 1441 with alanine.
Molecular consequence: missense variant. On other transcripts: non-coding transcript variant (2).
Genome position (GRCh38, 1-based): chr12:6,582,664, T>C on the plus strand (A>G on the coding strand, the complement: CHD4 is on the minus strand). VCF-style: chr12-6582664-T-C. GRCh37 (hg19) VCF-style: chr12-6691830-T-C.
Other names: c.4300A>G, p.Thr1434Ala (NM_001297553.2); c.4282A>G, p.Thr1428Ala (NM_001363606.2); short protein forms T1428A, T1434A, T1441A.
Identifiers: ClinVar variation 4854132 (VCV004854132.1).

ClinVar aggregate classification (germline): Uncertain significance (1 of 4 stars; one submission).

Conditions:
Sifrim-Hitz-Weiss syndrome (SIHIWES). Also called: SIFRIM-HITZ-WEISS MULTIPLE CONGENITAL ANOMALIES-MENTAL RETARDATION SYNDROME; CHD4 Neurodevelopmental Disorder. Identifiers: Orphanet 653712, MedGen C4310688, MONDO:0014946, OMIM 617159.

Submission:

3billion
Classification: Uncertain significance for Sifrim-Hitz-Weiss syndrome. Last evaluated: 2025-12-08. Review status: criteria provided, single submitter. Criteria: ACMG Guidelines, 2015. Collection method: clinical testing. Allele origin: germline. Affected: yes.
Comment: The variant is not observed in the gnomAD v4.1.0 dataset. Predicted Consequence/Location: Missense variant. Missense changes are a common disease-causing mechanism. In silico tool predictions suggest damaging effect of the variant on gene or gene product [3Cnet: 0.99 (> 0.75, sensitivity 0.96 and precision 0.92)]. Therefore, this variant is classified as VUS according to the recommendation of ACMG/AMP guideline.